The following is an entry in ClinVar:

ClinVar aggregate classification (germline): Likely benign. Review status: criteria provided, multiple submitters, no conflicts (2 of 4 stars). 3 submissions from 3 submitters: Likely benign (3). Last evaluated 2026-03-01.

Allele frequency attached by ClinVar (database versions not stated): gnomAD 0.00039 and 0.00022; gnomAD exomes 0.00197 and 0.00081; ExAC 0.00551; TOPMed 0.00025.
gnomAD v4.1: 845 of 1,115,704 alleles (0.076%); highest among the groups gnomAD compares: South Asian, 0.66%; 4 homozygotes.

Submissions (3):

CeGaT Center for Human Genetics Tuebingen
Classification: Likely benign. Last evaluated: 2026-03-01. Review status: criteria provided, single submitter. Criteria: CeGaT Center For Human Genetics Tuebingen Variant Classification Criteria Version 2. Collection method: clinical testing. Allele origin: germline. Affected: yes. Observed: 8 variant alleles.
Comment: CHD3: BP4, BP7, BS1

Blueprint Genetics
Classification: Likely benign. Last evaluated: 2024-11-26. Review status: criteria provided, single submitter. Criteria: ACMG Guidelines, 2015. Collection method: clinical testing. Allele origin: germline.

Breakthrough Genomics
Classification: Likely benign. Review status: criteria provided, single submitter. Criteria: ACMG Guidelines, 2015. Collection method: not provided. Allele origin: germline. Inheritance: Unknown mechanism. Affected: yes.

NM_001005271.3(CHD3):c.42G>A (p.Glu14=)

Genes: CHD3 (chromodomain helicase DNA binding protein 3; plus strand), NAA38 (N-alpha-acetyltransferase 38, NatC auxiliary subunit; minus strand). Cytogenetic location: 17p13.1.
Variant type: single nucleotide variant.
Coding change: c.42G>A on transcript NM_001005271.3; coding-DNA position 42, G replaced by A.
Protein change: p.Glu14=; no amino-acid change (glutamic acid 14 retained).
Molecular consequence: synonymous variant. On other transcripts: intron variant (1).
Genome position (GRCh38, 1-based): chr17:7,884,848, G>A. VCF-style: chr17-7884848-G-A. GRCh37 (hg19) VCF-style: chr17-7788166-G-A.
Other names: c.42G>A, p.Glu14= (NM_001437504.1, NM_001437507.1, NM_001437508.1 and 1 more transcripts); c.-167+317C>T (NM_001330111.2).
Identifiers: ClinVar variation 932351 (VCV000932351.39), dbSNP rs772711535, ClinGen allele CA8362215.
Genomic context (GRCh38, chr17:7,884,848, plus strand): 5'-GGGGGGCCAGAGCCACAGGATGGCTTCCCCTCTGAGGGACGAGGAGGAGGAGGAGGAGGA[G>A]ATGGTGGTGTCGGAGGAGGAAGAAGAGGAGGAAGAAGAGGGCGACGAGGAGGAGGAGGAG-3'